The following is an entry in ClinVar:

ClinVar aggregate classification (germline): Likely pathogenic (1 of 4 stars; one submission).

Allele frequency attached by ClinVar (database versions not stated): gnomAD exomes below 0.00001; ExAC 0.00002.

Submission:

Labcorp Genetics (formerly Invitae), Labcorp
Classification: Likely pathogenic. Last evaluated: 2024-10-16. Review status: criteria provided, single submitter. Criteria: Invitae Variant Classification Sherloc (09022015). Collection method: clinical testing. Allele origin: germline.
Comment: This sequence change affects the initiator methionine of the GTF2H5 mRNA. The next in-frame methionine is located at codon 16. This variant is present in population databases (rs767541018, gnomAD 0.004%). Disruption of the initiator codon has been observed in individuals with trichothiodystrophy (PMID: 15220921, 31618753). It has also been observed to segregate with disease in related individuals. ClinVar contains an entry for this variant (Variation ID: 2136487). In summary, the currently available evidence indicates that the variant is pathogenic, but additional data are needed to prove that conclusively. Therefore, this variant has been classified as Likely Pathogenic.

Literature cited by the submitters: PubMed 15220921; PubMed 31618753.

NM_207118.3(GTF2H5):c.2T>C (p.Met1Thr)

Gene: GTF2H5 (general transcription factor IIH subunit 5; plus strand). Cytogenetic location: 6q25.3.
Variant type: single nucleotide variant.
Coding change: c.2T>C on transcript NM_207118.3 (MANE Select); coding-DNA position 2, T replaced by C.
Protein change: p.Met1Thr; changes the start codon (methionine 1).
Molecular consequence: missense variant, initiator codon variant.
Genome position (GRCh38, 1-based): chr6:158,170,505, T>C. VCF-style: chr6-158170505-T-C. GRCh37 (hg19) VCF-style: chr6-158591537-T-C.
Other names: short protein forms M1T.
Identifiers: ClinVar variation 2136487 (VCV002136487.5), dbSNP rs767541018, ClinGen allele CA4071519.